The following is an entry in ClinVar:

NM_001377.3(DYNC2H1):c.2570A>G (p.His857Arg)

Gene: DYNC2H1 (dynein cytoplasmic 2 heavy chain 1; plus strand). Cytogenetic location: 11q22.3.
Variant type: single nucleotide variant.
Coding change: c.2570A>G on transcript NM_001377.3 (MANE Select); coding-DNA position 2570, A replaced by G.
Protein change: p.His857Arg; replaces histidine 857 with arginine.
Molecular consequence: missense variant.
Genome position (GRCh38, 1-based): chr11:103,135,944, A>G. VCF-style: chr11-103135944-A-G. GRCh37 (hg19) VCF-style: chr11-103006673-A-G.
Other names: c.2570A>G, p.His857Arg (NM_001080463.2); short protein forms H857R.
Identifiers: ClinVar variation 1970404 (VCV001970404.2), dbSNP rs1859514894, ClinGen allele CA382261031.
Genomic context (GRCh38, chr11:103,135,944, plus strand): 5'-TGACGATTTTCAGCAAAGCAGAAGATCTGTTTAGAAGATTGTCAGCTGTTTTACACCAAC[A>G]TAAGGTATAGAACATGTAATGTTCCATCCTTCCATCATAAAATTATTTCTGATTGATTGA-3'
Protein context (NP_001368.2, residues 847-867): FRRLSAVLHQ[His857Arg]KEWIVIGQVD

ClinVar aggregate classification (germline): Uncertain significance (1 of 4 stars; one submission).

Conditions:
Jeune thoracic dystrophy. Also called: Jeune syndrome; Infantile thoracic dystrophy; Thoracic pelvic phalangeal dystrophy; Jeune's syndrome; Chondroectodermal dysplasia-like syndrome; Short-rib thoracic dysplasia. Identifiers: Orphanet 474, MedGen C0265275, MONDO:0018770.

Allele frequency attached by ClinVar (database versions not stated): gnomAD exomes below 0.00001; gnomAD 0.00001.
gnomAD v4.1: 4 of 1,601,460 alleles (0.00025%); highest among the groups gnomAD compares: Non-Finnish European, 0.00034%; no homozygotes.

Submission:

Labcorp Genetics (formerly Invitae), Labcorp
Classification: Uncertain significance for Jeune thoracic dystrophy. Last evaluated: 2022-01-05. Review status: criteria provided, single submitter. Criteria: Invitae Variant Classification Sherloc (09022015). Collection method: clinical testing. Allele origin: germline.
Comment: This sequence change replaces histidine, which is basic and polar, with arginine, which is basic and polar, at codon 857 of the DYNC2H1 protein (p.His857Arg). This variant is not present in population databases (gnomAD no frequency). This variant has not been reported in the literature in individuals affected with DYNC2H1-related conditions. Advanced modeling of protein sequence and biophysical properties (such as structural, functional, and spatial information, amino acid conservation, physicochemical variation, residue mobility, and thermodynamic stability) performed at Invitae indicates that this missense variant is not expected to disrupt DYNC2H1 protein function. Algorithms developed to predict the effect of sequence changes on RNA splicing suggest that this variant may create or strengthen a splice site. In summary, the available evidence is currently insufficient to determine the role of this variant in disease. Therefore, it has been classified as a Variant of Uncertain Significance.